The following is an entry in ClinVar:

NM_181712.5(KANK4):c.1449C>T (p.Pro483=)

Gene: KANK4 (KN motif and ankyrin repeat domains 4; minus strand). Cytogenetic location: 1p31.3.
Variant type: single nucleotide variant.
Coding change: c.1449C>T on transcript NM_181712.5 (MANE Select); coding-DNA position 1449, C replaced by T.
Protein change: p.Pro483=; no amino-acid change (proline 483 retained).
Molecular consequence: synonymous variant. On other transcripts: intron variant (1).
Genome position (GRCh38, 1-based): chr1:62,273,655, G>A on the plus strand (C>T on the coding strand, the complement: KANK4 is on the minus strand). VCF-style: chr1-62273655-G-A. GRCh37 (hg19) VCF-style: chr1-62739327-G-A.
Other names: c.17-2066C>T (NM_001320269.2).
Identifiers: ClinVar variation 2638860 (VCV002638860.24), dbSNP rs111315510, ClinGen allele CA23695809.
Genomic context (GRCh38, chr1:62,273,655, plus strand): 5'-TTCTTCAATCCTGAGTTCAGTGGAGAGGAAGCTATGTACAGAGGAGGTAAGGACCTGCTC[G>A]GGTCCCTGTGGCAGTGACAGCTGGGGCAGAAGCACACGTTCTGCTGGGCTCTGATTCCCT-3'
Protein context (NP_859063.3, residues 473-493): LLPQLSLPQG[Pro483=]EQVLTSSVHS

ClinVar aggregate classification (germline): Likely benign (1 of 4 stars; one submission).

Allele frequency attached by ClinVar (database versions not stated): gnomAD exomes 0.00002; TOPMed 0.00002; gnomAD 0.00003.
gnomAD v4.1: 38 of 1,614,050 alleles (0.0024%); highest among the groups gnomAD compares: African/African-American, 0.019%; no homozygotes.

Submission:

CeGaT Center for Human Genetics Tuebingen
Classification: Likely benign. Last evaluated: 2022-12-01. Review status: criteria provided, single submitter. Criteria: CeGaT Center For Human Genetics Tuebingen Variant Classification Criteria Version 2. Collection method: clinical testing. Allele origin: germline. Affected: yes. Observed: 1 variant allele.
Comment: KANK4: BP4, BP7